The following is an entry in ClinVar:

ClinVar aggregate classification (germline): Pathogenic (1 of 4 stars; one submission).

Conditions:
Neurofibromatosis, type 1 (NF1). Also called: Peripheral type neurofibromatosis; VON RECKLINGHAUSEN DISEASE; NEUROFIBROMATOSIS, TYPE I, SOMATIC; Neurofibromatosis, type I. Identifiers: Orphanet 636, MedGen C0027831, MONDO:0018975, OMIM 162200. Disease mechanism: loss of function.

Submission:

Labcorp Genetics (formerly Invitae), Labcorp
Classification: Pathogenic for Neurofibromatosis, type 1. Last evaluated: 2019-10-01. Review status: criteria provided, single submitter. Criteria: Invitae Variant Classification Sherloc (09022015). Collection method: clinical testing. Allele origin: germline.
Comment: This sequence change creates a premature translational stop signal (p.Tyr2677*) in the NF1 gene. It is expected to result in an absent or disrupted protein product. This variant is not present in population databases (ExAC no frequency). This variant has been observed in an individual with neurofibromatosis type 1 (PMID: 23913538). Loss-of-function variants in NF1 are known to be pathogenic (PMID: 10712197, 23913538). For these reasons, this variant has been classified as Pathogenic.

Literature cited by the submitters: PubMed 23913538; PubMed 10712197.

NM_001042492.3(NF1):c.8094C>A (p.Tyr2698Ter)

Gene: NF1 (neurofibromin 1; plus strand). Cytogenetic location: 17q11.2.
Variant type: single nucleotide variant.
Coding change: c.8094C>A on transcript NM_001042492.3 (MANE Select); coding-DNA position 8094, C replaced by A.
Protein change: p.Tyr2698Ter; replaces tyrosine 2698 with a stop codon.
Molecular consequence: nonsense.
Genome position (GRCh38, 1-based): chr17:31,358,603, C>A. VCF-style: chr17-31358603-C-A. GRCh37 (hg19) VCF-style: chr17-29685621-C-A.
Other names: c.8031C>A, p.Tyr2677Ter (NM_000267.4); short protein forms Y2677*, Y2698*.
Identifiers: ClinVar variation 963283 (VCV000963283.7), dbSNP rs1597868268, ClinGen allele CA399203952.